The following is an entry in ClinVar:

NM_001963.6(EGF):c.2609-5C>A

Gene: EGF (epidermal growth factor; plus strand). Cytogenetic location: 4q25.
Variant type: single nucleotide variant.
Coding change: c.2609-5C>A on transcript NM_001963.6 (MANE Select); 5 bases into the intron before coding-DNA position 2609, C replaced by A.
Molecular consequence: intron variant.
Genome position (GRCh38, 1-based): chr4:109,988,579, C>A. VCF-style: chr4-109988579-C-A. GRCh37 (hg19) VCF-style: chr4-110909735-C-A.
Other names: c.2609-5C>A (NM_001178130.3); c.2483-5C>A (NM_001178131.3); c.2366-4668C>A (NM_001357021.2).
Identifiers: ClinVar variation 785106 (VCV000785106.13), dbSNP rs74379237, ClinGen allele CA3044029.

ClinVar aggregate classification (germline): Benign. Review status: criteria provided, multiple submitters, no conflicts (2 of 4 stars). 3 submissions from 3 submitters: Benign (3). Last evaluated 2026-01-25.

Conditions:
Renal hypomagnesemia 4. Also called: HYPOMAGNESEMIA, RENAL, NORMOCALCIURIC. Identifiers: Orphanet 34527, MedGen C2673648, MONDO:0012717, OMIM 611718.

Allele frequency attached by ClinVar (database versions not stated): ExAC 0.00205; 1000 Genomes Project 0.00419; 1000 Genomes Project 30x 0.00422; gnomAD 0.00572 and 0.00628; TOPMed 0.00645; ESP Exome Variant Server 0.00746.
gnomAD v4.1: 1,826 of 1,613,868 alleles (0.11%); highest among the groups gnomAD compares: African/African-American, 1.9%; 21 homozygotes.

Submissions (3):

Labcorp Genetics (formerly Invitae), Labcorp
Classification: Benign. Last evaluated: 2026-01-25. Review status: criteria provided, single submitter. Criteria: Invitae Variant Classification Sherloc (09022015). Collection method: clinical testing. Allele origin: germline.

Illumina Laboratory Services, Illumina
Classification: Benign for Renal hypomagnesemia 4. Last evaluated: 2018-01-13. Review status: criteria provided, single submitter. Criteria: ICSL Variant Classification Criteria 13 December 2019. Collection method: clinical testing. Allele origin: germline.
Comment: This variant was observed in the ICSL laboratory as part of a predisposition screen in an ostensibly healthy population. It had not been previously curated by ICSL or reported in the Human Gene Mutation Database (HGMD: prior to June 1st, 2018), and was therefore a candidate for classification through an automated scoring system. Utilizing variant allele frequency, disease prevalence and penetrance estimates, and inheritance mode, an automated score was calculated to assess if this variant is too frequent to cause the disease. Based on the score and internal cut-off values, a variant classified as benign is not then subjected to further curation. The score for this variant resulted in a classification of benign for this disease.

Breakthrough Genomics
Classification: Benign. Review status: criteria provided, single submitter. Criteria: ACMG Guidelines, 2015. Collection method: not provided. Allele origin: germline. Inheritance: Autosomal recessive inheritance. Affected: yes.